The following is an entry in ClinVar:

NM_001330078.2(NRXN1):c.1244A>G (p.Tyr415Cys)

Gene: NRXN1 (neurexin 1; minus strand). Cytogenetic location: 2p16.3.
Variant type: single nucleotide variant.
Coding change: c.1244A>G on transcript NM_001330078.2 (MANE Select); coding-DNA position 1244, A replaced by G.
Protein change: p.Tyr415Cys; replaces tyrosine 415 with cysteine.
Molecular consequence: missense variant.
Genome position (GRCh38, 1-based): chr2:50,620,098, T>C on the plus strand (A>G on the coding strand, the complement: NRXN1 is on the minus strand). VCF-style: chr2-50620098-T-C. GRCh37 (hg19) VCF-style: chr2-50847236-T-C.
Other names: c.1364A>G, p.Tyr455Cys (NM_001135659.3); c.1220A>G, p.Tyr407Cys (NM_001330077.2, NM_001330082.2, NM_001330095.2); c.1205A>G, p.Tyr402Cys (NM_001330083.2, NM_001330084.2); c.1244A>G, p.Tyr415Cys (NM_001330085.2, NM_001330086.2, NM_004801.6); c.1160A>G, p.Tyr387Cys (NM_001330087.2, NM_001330096.2); c.1190A>G, p.Tyr397Cys (NM_001330088.2); c.1241A>G, p.Tyr414Cys (NM_001330093.2); c.1232A>G, p.Tyr411Cys (NM_001330094.2); short protein forms Y455C, Y387C, Y407C, Y414C, Y397C, Y402C, Y415C, Y411C.
Identifiers: ClinVar variation 432336 (VCV000432336.11), dbSNP rs371321580, ClinGen allele CA346821740.

ClinVar aggregate classification (germline): Uncertain significance. Review status: criteria provided, multiple submitters, no conflicts (2 of 4 stars). 2 submissions from 2 submitters: Uncertain significance (2). Last evaluated 2023-09-08.

Conditions:
NRXN-related disorder.
Pitt-Hopkins-like syndrome 2 (PTHSL2). Identifiers: Orphanet 221150, Orphanet 600663, MedGen C3280479, MONDO:0013690, OMIM 614325.

Submissions (2):

Labcorp Genetics (formerly Invitae), Labcorp
Classification: Uncertain significance for Pitt-Hopkins-like syndrome 2. Last evaluated: 2023-09-08. Review status: criteria provided, single submitter. Criteria: Invitae Variant Classification Sherloc (09022015). Collection method: clinical testing. Allele origin: germline.
Comment: In summary, the available evidence is currently insufficient to determine the role of this variant in disease. Therefore, it has been classified as a Variant of Uncertain Significance. An algorithm developed to predict the effect of missense changes on protein structure and function (PolyPhen-2) suggests that this variant is likely to be disruptive. ClinVar contains an entry for this variant (Variation ID: 432336). This variant has not been reported in the literature in individuals affected with NRXN1-related conditions. This variant is not present in population databases (gnomAD no frequency). This sequence change replaces tyrosine, which is neutral and polar, with cysteine, which is neutral and slightly polar, at codon 455 of the NRXN1 protein (p.Tyr455Cys).

GeneDx
Classification: Uncertain significance. Last evaluated: 2018-01-03. Review status: criteria provided, single submitter. Criteria: GeneDx Variant Classification (06012015). Collection method: clinical testing. Allele origin: germline. Affected: yes.
Comment: The Y455C variant in the NRXN1 gene has not been reported previously as a pathogenic variant, nor as a benign variant, to our knowledge. The Y455C variant is not observed in large population cohorts (Lek et al., 2016; 1000 Genomes Consortium et al., 2015; Exome Variant Server). The Y455C variant is a non-conservative amino acid substitution, which is likely to impact secondary protein structure as these residues differ in polarity, charge, size and/or other properties. This substitution occurs at a position that is conserved across species, and in silico analysis predicts this variant is probably damaging to the protein structure/function. We interpret Y455C as a variant of uncertain significance.